The following is an entry in ClinVar:

NM_017654.4(SAMD9):c.3662A>G (p.Asn1221Ser)

Gene: SAMD9 (sterile alpha motif domain containing 9; minus strand). Cytogenetic location: 7q21.2.
Variant type: single nucleotide variant.
Coding change: c.3662A>G on transcript NM_017654.4 (MANE Select); coding-DNA position 3662, A replaced by G.
Protein change: p.Asn1221Ser; replaces asparagine 1221 with serine.
Molecular consequence: missense variant.
Genome position (GRCh38, 1-based): chr7:93,102,436, T>C on the plus strand (A>G on the coding strand, the complement: SAMD9 is on the minus strand). VCF-style: chr7-93102436-T-C. GRCh37 (hg19) VCF-style: chr7-92731749-T-C.
Other names: c.3662A>G, p.Asn1221Ser (NM_001193307.2); short protein forms N1221S.
Identifiers: ClinVar variation 3792088 (VCV003792088.1).

ClinVar aggregate classification (germline): Uncertain significance (1 of 4 stars; one submission).

Conditions:
Inborn genetic diseases. Identifiers: MedGen C0950123, MeSH D030342.

gnomAD v4.1: 2 of 1,613,534 alleles (0.00012%); highest among the groups gnomAD compares: African/African-American, 0.0027%; no homozygotes.

Submission:

Ambry Genetics
Classification: Uncertain significance for Inborn genetic diseases. Last evaluated: 2025-02-14. Review status: criteria provided, single submitter. Criteria: Ambry Variant Classification Scheme 2023. Collection method: clinical testing. Allele origin: germline.
Comment: The p.N1221S variant (also known as c.3662A>G), located in coding exon 1 of the SAMD9 gene, results from an A to G substitution at nucleotide position 3662. The asparagine at codon 1221 is replaced by serine, an amino acid with highly similar properties. This amino acid position is conserved. In addition, this alteration is predicted to be tolerated by in silico analysis. Based on the available evidence, the clinical significance of this variant remains unclear.